The following is an entry in ClinVar:

ClinVar aggregate classification (germline): Uncertain significance. Review status: criteria provided, multiple submitters, no conflicts (2 of 4 stars). 2 submissions from 2 submitters: Uncertain significance (2). Last evaluated 2025-07-07.

Conditions:
Hereditary cancer-predisposing syndrome. Also called: Neoplastic Syndromes, Hereditary; Tumor predisposition; Hereditary neoplastic syndrome; Hereditary Cancer Syndrome. Identifiers: Orphanet 140162, MedGen C0027672, MeSH D009386, MONDO:0015356.
Cardiovascular phenotype. Identifiers: MedGen CN230736.

Submissions (2):

Labcorp Genetics (formerly Invitae), Labcorp
Classification: Uncertain significance. Last evaluated: 2025-07-07. Review status: criteria provided, single submitter. Criteria: Invitae Variant Classification Sherloc (09022015). Collection method: clinical testing. Allele origin: germline.
Comment: This sequence change replaces arginine, which is basic and polar, with leucine, which is neutral and non-polar, at codon 468 of the LZTR1 protein (p.Arg468Leu). This variant is present in population databases (rs146427018, gnomAD 0.006%). This variant has not been reported in the literature in individuals affected with LZTR1-related conditions. ClinVar contains an entry for this variant (Variation ID: 3238072). Invitae Evidence Modeling of protein sequence and biophysical properties (such as structural, functional, and spatial information, amino acid conservation, physicochemical variation, residue mobility, and thermodynamic stability) indicates that this missense variant is not expected to disrupt LZTR1 protein function with a negative predictive value of 80%. In summary, the available evidence is currently insufficient to determine the role of this variant in disease. Therefore, it has been classified as a Variant of Uncertain Significance.

Ambry Genetics
Classification: Uncertain significance for Cardiovascular phenotype; Hereditary cancer-predisposing syndrome. Last evaluated: 2024-03-09. Review status: criteria provided, single submitter. Criteria: Ambry Variant Classification Scheme 2023. Collection method: clinical testing. Allele origin: germline.
Comment: The p.R468L variant (also known as c.1403G>T), located in coding exon 13 of the LZTR1 gene, results from a G to T substitution at nucleotide position 1403. The arginine at codon 468 is replaced by leucine, an amino acid with dissimilar properties. This amino acid position is conserved. In addition, this alteration is predicted to be tolerated by in silico analysis. Based on the available evidence, the clinical significance of this alteration remains unclear.

NM_006767.4(LZTR1):c.1403G>T (p.Arg468Leu)

Gene: LZTR1 (leucine zipper like post translational regulator 1; plus strand). Cytogenetic location: 22q11.21.
Variant type: single nucleotide variant.
Coding change: c.1403G>T on transcript NM_006767.4 (MANE Select); coding-DNA position 1403, G replaced by T.
Protein change: p.Arg468Leu; replaces arginine 468 with leucine.
Molecular consequence: missense variant.
Genome position (GRCh38, 1-based): chr22:20,993,973, G>T. VCF-style: chr22-20993973-G-T. GRCh37 (hg19) VCF-style: chr22-21348262-G-T.
Other names: short protein forms R468L.
Identifiers: ClinVar variation 3238072 (VCV003238072.3), dbSNP rs146427018.